The following is an entry in ClinVar:

NM_014697.3(NOS1AP):c.384C>T (p.Ile128=)

Gene: NOS1AP (nitric oxide synthase 1 adaptor protein; plus strand). Cytogenetic location: 1q23.3.
Variant type: single nucleotide variant.
Coding change: c.384C>T on transcript NM_014697.3 (MANE Select); coding-DNA position 384, C replaced by T.
Protein change: p.Ile128=; no amino-acid change (isoleucine 128 retained).
Molecular consequence: synonymous variant.
Genome position (GRCh38, 1-based): chr1:162,333,056, C>T. VCF-style: chr1-162333056-C-T. GRCh37 (hg19) VCF-style: chr1-162302846-C-T.
Other names: c.369C>T, p.Ile123= (NM_001164757.2).
Identifiers: ClinVar variation 496432 (VCV000496432.30), dbSNP rs41271969, ClinGen allele CA1215444.

ClinVar aggregate classification (germline): Benign/Likely benign. Review status: criteria provided, multiple submitters, no conflicts (2 of 4 stars). 5 submissions from 5 submitters: Benign (3); Likely benign (2). Last evaluated 2024-11-20.

Allele frequency attached by ClinVar (database versions not stated): TOPMed 0.00224; ESP Exome Variant Server 0.00284; 1000 Genomes Project 0.00319; 1000 Genomes Project 30x 0.00344; ExAC 0.00345; gnomAD exomes 0.00354 and 0.00365; gnomAD 0.00355 and 0.00358.
gnomAD v4.1: 5,796 of 1,613,890 alleles (0.36%); highest among the groups gnomAD compares: Non-Finnish European, 0.37%; 15 homozygotes.

Submissions (5):

Blueprint Genetics
Classification: Likely benign. Last evaluated: 2024-11-20. Review status: criteria provided, single submitter. Criteria: ACMG Guidelines, 2015. Collection method: clinical testing. Allele origin: germline.

CeGaT Center for Human Genetics Tuebingen
Classification: Likely benign. Last evaluated: 2023-01-01. Review status: criteria provided, single submitter. Criteria: CeGaT Center For Human Genetics Tuebingen Variant Classification Criteria Version 2. Collection method: clinical testing. Allele origin: germline. Affected: yes. Observed: 2 variant alleles.
Comment: NOS1AP: BP4, BS2

Labcorp Genetics (formerly Invitae), Labcorp
Classification: Benign. Last evaluated: 2018-07-15. Review status: criteria provided, single submitter. Criteria: Invitae Variant Classification Sherloc (09022015). Collection method: clinical testing. Allele origin: germline.

Women's Health and Genetics/Laboratory Corporation of America, LabCorp
Classification: Benign. Last evaluated: 2016-01-26. Review status: criteria provided, single submitter. Criteria: LabCorp Variant Classification Summary - May 2015. Collection method: clinical testing. Allele origin: germline.

Breakthrough Genomics
Classification: Benign. Review status: criteria provided, single submitter. Criteria: ACMG Guidelines, 2015. Collection method: not provided. Allele origin: germline. Inheritance: Autosomal recessive inheritance. Affected: yes.